The following is an entry in ClinVar:

NM_001197104.2(KMT2A):c.9542_9544del (p.Ser3181del)

Gene: KMT2A (lysine methyltransferase 2A; plus strand). Cytogenetic location: 11q23.3.
Variant type: Deletion.
Coding change: c.9542_9544del on transcript NM_001197104.2 (MANE Select); coding-DNA positions 9542 to 9544, 3 bases deleted (GCA; older notation c.9542_9544delGCA).
Protein change: p.Ser3181del; deletes serine 3181.
Molecular consequence: inframe deletion.
Genome position (GRCh38, 1-based): chr11:118,505,434-118,505,436, GCA deleted; deleting any 3 consecutive bases within chr11:118,505,432-118,505,436 gives the same sequence; the c. name uses the placement nearest the transcript's 3' end. VCF-style (leftmost placement, unchanged base first): chr11-118505431-TCAG-T. GRCh37 (hg19) VCF-style: chr11-118376146-TCAG-T.
Other names: c.9632_9634del, p.Ser3211del (NM_001412597.1); c.9533_9535del, p.Ser3178del (NM_005933.4); short protein forms S3178del, S3211del, S3181del.
Identifiers: ClinVar variation 2853896 (VCV002853896.3), dbSNP rs782019225, ClinGen allele CA6304605.
Genomic context (GRCh38, chr11:118,505,431, plus strand): 5'-CTCATCACCAGCACTTACATTCCTTCCCTGCAGCTACTCAAAGTAGTTTCCCACCAAACA[TCAG>T]CAATCCTCCTTCAGGCCTGCTTATTGGGGTTCAGCCTCCTCCGGATCCCCAACTTTTGGT-3'

ClinVar aggregate classification (germline): Uncertain significance (1 of 4 stars; one submission).

Submission:

Labcorp Genetics (formerly Invitae), Labcorp
Classification: Uncertain significance. Last evaluated: 2023-04-09. Review status: criteria provided, single submitter. Criteria: Invitae Variant Classification Sherloc (09022015). Collection method: clinical testing. Allele origin: germline.
Comment: This variant is present in population databases (rs782019225, gnomAD 0.006%). This variant, c.9542_9544del, results in the deletion of 1 amino acid(s) of the KMT2A protein (p.Ser3181del), but otherwise preserves the integrity of the reading frame. This variant has not been reported in the literature in individuals affected with KMT2A-related conditions. In summary, the available evidence is currently insufficient to determine the role of this variant in disease. Therefore, it has been classified as a Variant of Uncertain Significance. Experimental studies and prediction algorithms are not available or were not evaluated, and the functional significance of this variant is currently unknown.